The following is an entry in ClinVar:

ClinVar aggregate classification (germline): Pathogenic (1 of 4 stars; one submission).

Submission:

GeneDx
Classification: Pathogenic. Last evaluated: 2024-09-11. Review status: criteria provided, single submitter. Criteria: GeneDx Variant Classification Process June 2021. Collection method: clinical testing. Allele origin: germline. Affected: yes.
Comment: Frameshift variant predicted to result in protein truncation or nonsense mediated decay in a gene for which loss of function is a known mechanism of disease; Has not been previously published as pathogenic or benign to our knowledge; Not observed at significant frequency in large population cohorts (gnomAD)

NM_005585.5(SMAD6):c.641del (p.Arg214fs)

Gene: SMAD6 (SMAD family member 6; plus strand). Cytogenetic location: 15q22.31.
Variant type: Deletion.
Coding change: c.641del on transcript NM_005585.5 (MANE Select); coding-DNA position 641, one base deleted (G; older notation c.641delG).
Protein change: p.Arg214fs; shifts the reading frame from arginine 214.
Molecular consequence: frameshift variant. On other transcripts: non-coding transcript variant (1).
Genome position (GRCh38, 1-based): chr15:66,703,899, G deleted. VCF-style (leftmost placement, unchanged base first): chr15-66703898-CG-C. GRCh37 (hg19) VCF-style: chr15-66996236-CG-C.
Other names: short protein forms R214fs.
Identifiers: ClinVar variation 3769868 (VCV003769868.1).